The following is an entry in ClinVar:

ClinVar aggregate classification (germline): Uncertain significance (1 of 4 stars; one submission).

Conditions:
Baller-Gerold syndrome (BGS). Also called: CRANIOSYNOSTOSIS WITH RADIAL DEFECTS. Identifiers: Orphanet 1225, MedGen C0265308, MONDO:0009039, OMIM 218600.

gnomAD v4.1: 12 of 1,610,884 alleles (0.00074%); highest among the groups gnomAD compares: Non-Finnish European, 0.00093%; no homozygotes.

Submission:

Labcorp Genetics (formerly Invitae), Labcorp
Classification: Uncertain significance for Baller-Gerold syndrome. Last evaluated: 2022-05-18. Review status: criteria provided, single submitter. Criteria: Invitae Variant Classification Sherloc (09022015). Collection method: clinical testing. Allele origin: germline.
Comment: This variant is not present in population databases (gnomAD no frequency). In summary, the available evidence is currently insufficient to determine the role of this variant in disease. Therefore, it has been classified as a Variant of Uncertain Significance. Experimental studies and prediction algorithms are not available or were not evaluated, and the functional significance of this variant is currently unknown. This variant has not been reported in the literature in individuals affected with RECQL4-related conditions. This sequence change replaces glutamine, which is neutral and polar, with histidine, which is basic and polar, at codon 513 of the RECQL4 protein (p.Gln513His).

NM_004260.4(RECQL4):c.1539G>T (p.Gln513His)

Gene: RECQL4 (RecQ like helicase 4; minus strand). Cytogenetic location: 8q24.3.
Variant type: single nucleotide variant.
Coding change: c.1539G>T on transcript NM_004260.4 (MANE Select); coding-DNA position 1539, G replaced by T.
Protein change: p.Gln513His; replaces glutamine 513 with histidine.
Molecular consequence: missense variant.
Genome position (GRCh38, 1-based): chr8:144,515,017, C>A on the plus strand (G>T on the coding strand, the complement: RECQL4 is on the minus strand). VCF-style: chr8-144515017-C-A. GRCh37 (hg19) VCF-style: chr8-145740401-C-A.
Other names: c.1443G>T, p.Gln481His (NM_001413017.1, NM_001413020.1); c.1539G>T, p.Gln513His (NM_001413018.1, NM_001413019.1, NM_001413033.1 and 1 more transcripts); c.468G>T, p.Gln156His (NM_001413021.1, NM_001413022.1, NM_001413023.1 and 7 more transcripts); c.1410G>T, p.Gln470His (NM_001413025.1); c.402G>T, p.Gln134His (NM_001413027.1, NM_001413041.1, NM_001413030.1 and 2 more transcripts); c.1509G>T, p.Gln503His (NM_001413039.1); c.438G>T, p.Gln146His (NM_001413042.1); c.72G>T, p.Gln24His (NM_001413043.1); and 1 more; short protein forms Q513H, Q134H, Q396H, Q470H, Q24H, Q481H, Q146H, Q156H.
Identifiers: ClinVar variation 1996077 (VCV001996077.4), dbSNP rs1358624560, ClinGen allele CA372683940.